The following is an entry in ClinVar:

ClinVar aggregate classification (germline): Uncertain significance. Review status: criteria provided, multiple submitters, no conflicts (2 of 4 stars). 2 submissions from 2 submitters: Uncertain significance (2). Last evaluated 2025-08-28.

Conditions:
Inborn genetic diseases. Identifiers: MedGen C0950123, MeSH D030342.

gnomAD v4.1: 102 of 1,614,108 alleles (0.0063%); highest among the groups gnomAD compares: Non-Finnish European, 0.0086%; no homozygotes.

Submissions (2):

Ambry Genetics
Classification: Uncertain significance for Inborn genetic diseases. Last evaluated: 2025-08-28. Review status: criteria provided, single submitter. Criteria: Ambry Variant Classification Scheme 2023. Collection method: clinical testing. Allele origin: germline.

Labcorp Genetics (formerly Invitae), Labcorp
Classification: Uncertain significance. Last evaluated: 2024-11-11. Review status: criteria provided, single submitter. Criteria: Invitae Variant Classification Sherloc (09022015). Collection method: clinical testing. Allele origin: germline.
Comment: This sequence change replaces glycine, which is neutral and non-polar, with valine, which is neutral and non-polar, at codon 13 of the LAMA3 protein (p.Gly13Val). This variant is present in population databases (rs374171592, gnomAD 0.01%). This variant has not been reported in the literature in individuals affected with LAMA3-related conditions. An algorithm developed to predict the effect of missense changes on protein structure and function (PolyPhen-2) suggests that this variant¬†is likely to be tolerated. In summary, the available evidence is currently insufficient to determine the role of this variant in disease. Therefore, it has been classified as a Variant of Uncertain Significance.

NM_000227.6(LAMA3):c.38G>T (p.Gly13Val)

Genes: LAMA3 (laminin subunit alpha 3; plus strand), LOC126862707 (MED14-independent group 3 enhancer GRCh37_chr18:21452354-21453553; plus strand). Cytogenetic location: 18q11.2.
Variant type: single nucleotide variant.
Coding change: c.38G>T on transcript NM_000227.6 (MANE Plus Clinical); coding-DNA position 38, G replaced by T.
Protein change: p.Gly13Val; replaces glycine 13 with valine.
Molecular consequence: missense variant. On other transcripts: intron variant (2).
Genome position (GRCh38, 1-based): chr18:23,873,082, G>T. VCF-style: chr18-23873082-G-T. GRCh37 (hg19) VCF-style: chr18-21453046-G-T.
Other names: c.38G>T, p.Gly13Val (NM_001127718.4); c.4998+1421G>T (NM_198129.4, NM_001127717.4); c.38G>T (NM_000227.3); short protein forms G13V.
Identifiers: ClinVar variation 3703936 (VCV003703936.2).